The following is an entry in ClinVar:

ClinVar aggregate classification (germline): Uncertain significance. Review status: criteria provided, multiple submitters, no conflicts (2 of 4 stars). 2 submissions from 2 submitters: Uncertain significance (2). Last evaluated 2025-12-23.

Conditions:
Hereditary cancer-predisposing syndrome. Also called: Neoplastic Syndromes, Hereditary; Hereditary neoplastic syndrome; Tumor predisposition; Hereditary Cancer Syndrome. Identifiers: Orphanet 140162, MedGen C0027672, MeSH D009386, MONDO:0015356.
Tuberous sclerosis 2 (TSC2). Identifiers: Orphanet 805, MedGen C1860707, MONDO:0013199, OMIM 613254.

Allele frequency attached by ClinVar (database versions not stated): TOPMed below 0.00001.
gnomAD v4.1: 1 of 1,611,246 alleles (0.000062%); highest among the groups gnomAD compares: Middle Eastern, 0.017%; no homozygotes.

Submissions (2):

Labcorp Genetics (formerly Invitae), Labcorp
Classification: Uncertain significance for Tuberous sclerosis 2. Last evaluated: 2025-12-23. Review status: criteria provided, single submitter. Criteria: Invitae Variant Classification Sherloc (09022015). Collection method: clinical testing. Allele origin: germline.
Comment: This sequence change replaces proline, which is neutral and non-polar, with leucine, which is neutral and non-polar, at codon 1401 of the TSC2 protein (p.Pro1401Leu). This variant is not present in population databases (gnomAD no frequency). This variant has not been reported in the literature in individuals affected with TSC2-related conditions. ClinVar contains an entry for this variant (Variation ID: 835322). Invitae Evidence Modeling of protein sequence and biophysical properties (such as structural, functional, and spatial information, amino acid conservation, physicochemical variation, residue mobility, and thermodynamic stability) indicates that this missense variant is not expected to disrupt TSC2 protein function with a negative predictive value of 95%. In summary, the available evidence is currently insufficient to determine the role of this variant in disease. Therefore, it has been classified as a Variant of Uncertain Significance.

Ambry Genetics
Classification: Uncertain significance for Hereditary cancer-predisposing syndrome. Last evaluated: 2023-02-18. Review status: criteria provided, single submitter. Criteria: Ambry Variant Classification Scheme 2023. Collection method: clinical testing. Allele origin: germline.
Comment: The p.P1401L variant (also known as c.4202C>T), located in coding exon 33 of the TSC2 gene, results from a C to T substitution at nucleotide position 4202. The proline at codon 1401 is replaced by leucine, an amino acid with similar properties. This amino acid position is conserved. In addition, the in silico prediction for this alteration is inconclusive. Since supporting evidence is limited at this time, the clinical significance of this alteration remains unclear.

NM_000548.5(TSC2):c.4202C>T (p.Pro1401Leu)

Gene: TSC2 (TSC complex subunit 2; plus strand). Cytogenetic location: 16p13.3.
Variant type: single nucleotide variant.
Coding change: c.4202C>T on transcript NM_000548.5 (MANE Select); coding-DNA position 4202, C replaced by T.
Protein change: p.Pro1401Leu; replaces proline 1401 with leucine.
Molecular consequence: missense variant.
Genome position (GRCh38, 1-based): chr16:2,084,424, C>T. VCF-style: chr16-2084424-C-T. GRCh37 (hg19) VCF-style: chr16-2134425-C-T.
Other names: c.4001C>T, p.Pro1334Leu (NM_001077183.3); c.4133C>T, p.Pro1378Leu (NM_001114382.3); c.3893C>T, p.Pro1298Leu (NM_001318827.2); c.3857C>T, p.Pro1286Leu (NM_001318829.2); c.3470C>T, p.Pro1157Leu (NM_001318831.2); c.4034C>T, p.Pro1345Leu (NM_001318832.2); c.4004C>T, p.Pro1335Leu (NM_001363528.2); c.4070C>T, p.Pro1357Leu (NM_001370404.1); and 1 more; short protein forms P1157L, P1357L, P1401L, P1358L, P1286L, P1334L, P1335L, P1378L.
Identifiers: ClinVar variation 835322 (VCV000835322.8), dbSNP rs1596416623, ClinGen allele CA394299886.
Genomic context (GRCh38, chr16:2,084,424, plus strand): 5'-CCCTGAGCAAGTCCAGCTCCTCTCCCGAGCTGCAGACTCTGCAGGACATCCTCGGGGACC[C>T]TGGGGACAAGGCCGACGTGGGCCGGCTGAGCCCTGAGGTTAAGGCCCGGTCACAGTCAGG-3'
Protein context (NP_000539.2, residues 1391-1411): LQTLQDILGD[Pro1401Leu]GDKADVGRLS